The following is an entry in ClinVar:

ClinVar aggregate classification (germline): Likely pathogenic (1 of 4 stars; one submission).

Submission:

Mayo Clinic Laboratories, Mayo Clinic
Classification: Likely pathogenic. Last evaluated: 2024-09-24. Review status: criteria provided, single submitter. Criteria: ACMG Guidelines, 2015. Collection method: clinical testing. Allele origin: germline. Observed: 1 variant allele.
Comment: PM2, PVS1

NM_000488.4(SERPINC1):c.894_901del (p.Thr299fs)

Gene: SERPINC1 (serpin family C member 1; minus strand). Cytogenetic location: 1q25.1.
Variant type: Deletion.
Coding change: c.894_901del on transcript NM_000488.4 (MANE Select); coding-DNA positions 894 to 901, 8 bases deleted (CACCCAGG; older notation c.894_901delCACCCAGG).
Protein change: p.Thr299fs; shifts the reading frame from threonine 299.
Molecular consequence: frameshift variant.
Genome position (GRCh38, 1-based): chr1:173,909,804-173,909,811, CCTGGGTG deleted on the plus strand (CACCCAGG on the coding strand, the reverse complement: SERPINC1 is on the minus strand); deleting any 8 consecutive bases within chr1:173,909,804-173,909,814 gives the same sequence; the c. name uses the placement nearest the transcript's 3' end. VCF-style (leftmost placement, unchanged base first): chr1-173909803-ACCTGGGTG-A. GRCh37 (hg19) VCF-style: chr1-173878941-ACCTGGGTG-A.
Other names: p.Thr299Alafs*2; c.891_898delAGGCACCC, p.Thr299Alafs (NM_000488.3); c.750_757del, p.Thr251fs (NM_001365052.2); c.1017_1024del, p.Thr340fs (NM_001386302.1); c.975_982del, p.Thr326fs (NM_001386303.1); c.873_880del, p.Thr292fs (NM_001386304.1); c.837_844del, p.Thr280fs (NM_001386305.1); c.678_685del, p.Thr227fs (NM_001386306.1); short protein forms T227fs, T251fs, T280fs, T292fs, T299fs, T326fs, T340fs.
Identifiers: ClinVar variation 3381071 (VCV003381071.1).